The following is an entry in ClinVar:

NM_004519.4(KCNQ3):c.2146G>C (p.Asp716His)

Gene: KCNQ3 (potassium voltage-gated channel subfamily Q member 3; minus strand). Cytogenetic location: 8q24.22.
Variant type: single nucleotide variant.
Coding change: c.2146G>C on transcript NM_004519.4 (MANE Select); coding-DNA position 2146, G replaced by C.
Protein change: p.Asp716His; replaces aspartic acid 716 with histidine.
Molecular consequence: missense variant.
Genome position (GRCh38, 1-based): chr8:132,129,735, C>G on the plus strand (G>C on the coding strand, the complement: KCNQ3 is on the minus strand). VCF-style: chr8-132129735-C-G. GRCh37 (hg19) VCF-style: chr8-133141982-C-G.
Other names: p.D716H:GAC>CAC; c.1786G>C, p.Asp596His (NM_001204824.2); short protein forms D716H, D596H.
Identifiers: ClinVar variation 205986 (VCV000205986.37), dbSNP rs149324120, ClinGen allele CA315638.
Genomic context (GRCh38, chr8:132,129,735, plus strand): 5'-AAGGAGGAGTTGCCTGAACCTTTCCAGAACTGGGTCCCCCTCGGGGCAGGTTCACAGGGT[C>G]ATGTGCAAAAAACCCATAGGGGCTGACTTTGTCAATGGTCACCTGGTGGAAGCTGTAGGG-3'
Protein context (NP_004510.1, residues 706-726): KVSPYGFFAH[Asp716His]PVNLPRGGPS

ClinVar aggregate classification (germline): Conflicting classifications of pathogenicity. Review status: criteria provided, conflicting classifications (1 of 4 stars). 4 submissions from 4 submitters: Uncertain significance (2); Likely benign (2). Last evaluated 2025-08-15.

Conditions:
Inborn genetic diseases. Identifiers: MedGen C0950123, MeSH D030342.
Benign neonatal seizures. Also called: Convulsions benign familial neonatal dominant form; Autosomal dominant form of benign neonatal seizures; Benign familial neonatal seizures; Benign neonatal familial convulsions; Benign familial neonatal epilepsy. Identifiers: Orphanet 1949, MedGen C0220669, MONDO:0016027.

Allele frequency attached by ClinVar (database versions not stated): gnomAD 0.00001 and 0.00002; TOPMed 0.00002; ESP Exome Variant Server 0.00015; 1000 Genomes Project 0.00020; 1000 Genomes Project 30x 0.00031.
gnomAD v4.1: 54 of 1,614,114 alleles (0.0033%); highest among the groups gnomAD compares: Admixed American, 0.023%; no homozygotes.

Submissions (4):

Labcorp Genetics (formerly Invitae), Labcorp
Classification: Uncertain significance for Benign neonatal seizures. Last evaluated: 2025-08-15. Review status: criteria provided, single submitter. Criteria: Invitae Variant Classification Sherloc (09022015). Collection method: clinical testing. Allele origin: germline.
Comment: This sequence change replaces aspartic acid, which is acidic and polar, with histidine, which is basic and polar, at codon 716 of the KCNQ3 protein (p.Asp716His). This variant is present in population databases (rs149324120, gnomAD 0.02%). This variant has not been reported in the literature in individuals affected with KCNQ3-related conditions. ClinVar contains an entry for this variant (Variation ID: 205986). Invitae Evidence Modeling of protein sequence and biophysical properties (such as structural, functional, and spatial information, amino acid conservation, physicochemical variation, residue mobility, and thermodynamic stability) indicates that this missense variant is not expected to disrupt KCNQ3 protein function with a negative predictive value of 95%. In summary, the available evidence is currently insufficient to determine the role of this variant in disease. Therefore, it has been classified as a Variant of Uncertain Significance.

Ambry Genetics
Classification: Likely benign for Inborn genetic diseases. Last evaluated: 2025-03-18. Review status: criteria provided, single submitter. Criteria: Ambry Variant Classification Scheme 2023. Collection method: clinical testing. Allele origin: germline.

CeGaT Center for Human Genetics Tuebingen
Classification: Uncertain significance. Last evaluated: 2022-06-01. Review status: criteria provided, single submitter. Criteria: CeGaT Center For Human Genetics Tuebingen Variant Classification Criteria Version 2. Collection method: clinical testing. Allele origin: germline. Affected: yes. Observed: 1 variant allele.

GeneDx
Classification: Likely benign. Last evaluated: 2019-01-31. Review status: criteria provided, single submitter. Criteria: GeneDx Variant Classification Process June 2021. Collection method: clinical testing. Allele origin: germline. Affected: yes.